The following is an entry in ClinVar:

ClinVar aggregate classification (germline): Uncertain significance (1 of 4 stars; one submission).

Submission:

GeneDx
Classification: Uncertain significance. Last evaluated: 2023-06-20. Review status: criteria provided, single submitter. Criteria: GeneDx Variant Classification Process June 2021. Collection method: clinical testing. Allele origin: germline. Affected: yes.
Comment: Not observed at significant frequency in large population cohorts (gnomAD); In silico analysis supports that this missense variant has a deleterious effect on protein structure/function; Has not been previously published as pathogenic or benign to our knowledge

NM_181303.2(NLGN3):c.200A>G (p.Asp67Gly)

Gene: NLGN3 (neuroligin 3; plus strand). Cytogenetic location: Xq13.1.
Variant type: single nucleotide variant.
Coding change: c.200A>G on transcript NM_181303.2 (MANE Select); coding-DNA position 200, A replaced by G.
Protein change: p.Asp67Gly; replaces aspartic acid 67 with glycine.
Molecular consequence: missense variant. On other transcripts: intron variant (1).
Genome position (GRCh38, 1-based): chrX:71,147,949, A>G. VCF-style: chrX-71147949-A-G. GRCh37 (hg19) VCF-style: chrX-70367799-A-G.
Other names: c.200A>G, p.Asp67Gly (NM_001166660.2, NM_018977.4); c.-38-114A>G (NM_001321276.2); short protein forms D67G.
Identifiers: ClinVar variation 3360134 (VCV003360134.1).